The following is an entry in ClinVar:

NM_020937.4(FANCM):c.3212A>G (p.Asn1071Ser)

Gene: FANCM (FA complementation group M; plus strand). Cytogenetic location: 14q21.2.
Variant type: single nucleotide variant.
Coding change: c.3212A>G on transcript NM_020937.4 (MANE Select); coding-DNA position 3212, A replaced by G.
Protein change: p.Asn1071Ser; replaces asparagine 1071 with serine.
Molecular consequence: missense variant.
Genome position (GRCh38, 1-based): chr14:45,175,966, A>G. VCF-style: chr14-45175966-A-G. GRCh37 (hg19) VCF-style: chr14-45645169-A-G.
Other names: c.3212A>G (NM_020937.2); c.3134A>G, p.Asn1045Ser (NM_001308133.2); short protein forms N1045S, N1071S.
Identifiers: ClinVar variation 1360164 (VCV001360164.11), dbSNP rs1297760447, ClinGen allele CA389600345.

ClinVar aggregate classification (germline): Uncertain significance. Review status: criteria provided, multiple submitters, no conflicts (2 of 4 stars). 3 submissions from 3 submitters: Uncertain significance (3). Last evaluated 2025-09-28.

Conditions:
Inborn genetic diseases. Identifiers: MedGen C0950123, MeSH D030342.
Fanconi anemia (FA). Also called: Fanconi's anemia. Identifiers: Orphanet 84, MedGen C0015625, MeSH D005199, MONDO:0019391.

Allele frequency attached by ClinVar (database versions not stated): gnomAD exomes 0.00001; TOPMed 0.00002; gnomAD 0.00001.
gnomAD v4.1: 4 of 1,613,384 alleles (0.00025%); highest among the groups gnomAD compares: Non-Finnish European, 0.00034%; no homozygotes.

Submissions (3):

Labcorp Genetics (formerly Invitae), Labcorp
Classification: Uncertain significance for Fanconi anemia. Last evaluated: 2025-09-28. Review status: criteria provided, single submitter. Criteria: Invitae Variant Classification Sherloc (09022015). Collection method: clinical testing. Allele origin: germline.
Comment: This sequence change replaces asparagine, which is neutral and polar, with serine, which is neutral and polar, at codon 1071 of the FANCM protein (p.Asn1071Ser). This variant is not present in population databases (gnomAD no frequency). This variant has not been reported in the literature in individuals affected with FANCM-related conditions. ClinVar contains an entry for this variant (Variation ID: 1360164). An algorithm developed to predict the effect of missense changes on protein structure and function outputs the following: PolyPhen-2: "Benign". The serine amino acid residue is found in multiple mammalian species, which suggests that this missense change does not adversely affect protein function. In summary, the available evidence is currently insufficient to determine the role of this variant in disease. Therefore, it has been classified as a Variant of Uncertain Significance.

GeneDx
Classification: Uncertain significance. Last evaluated: 2025-04-16. Review status: criteria provided, single submitter. Criteria: GeneDx Variant Classification Process June 2021. Collection method: clinical testing. Allele origin: germline.
Comment: Not observed at significant frequency in large population cohorts (gnomAD); In silico analysis indicates that this missense variant does not alter protein structure/function; Has not been previously published as pathogenic or benign to our knowledge

Ambry Genetics
Classification: Uncertain significance for Inborn genetic diseases. Last evaluated: 2024-08-28. Review status: criteria provided, single submitter. Criteria: Ambry Variant Classification Scheme 2023. Collection method: clinical testing. Allele origin: germline.